The following is an entry in ClinVar:

ClinVar aggregate classification (germline): Likely benign (1 of 4 stars; one submission).

Submission:

CeGaT Center for Human Genetics Tuebingen
Classification: Likely benign. Last evaluated: 2025-11-01. Review status: criteria provided, single submitter. Criteria: CeGaT Center For Human Genetics Tuebingen Variant Classification Criteria Version 2. Collection method: clinical testing. Allele origin: germline. Affected: yes. Observed: 1 variant allele.
Comment: ARID1B: BP4, BP7

NM_001374828.1(ARID1B):c.897C>G (p.Ala299=)

Genes: ARID1B (AT-rich interaction domain 1B; plus strand), LOC129997525 (ATAC-STARR-seq lymphoblastoid silent region 17712; plus strand). Cytogenetic location: 6q25.3.
Variant type: single nucleotide variant.
Coding change: c.897C>G on transcript NM_001374828.1 (MANE Select); coding-DNA position 897, C replaced by G.
Protein change: p.Ala299=; no amino-acid change (alanine 299 retained).
Molecular consequence: synonymous variant.
Genome position (GRCh38, 1-based): chr6:156,778,577, C>G. VCF-style: chr6-156778577-C-G. GRCh37 (hg19) VCF-style: chr6-157099711-C-G.
Other names: c.897C>G, p.Ala299= (NM_001371656.1, NM_001374820.1, NM_001438482.1 and 9 more transcripts).
Identifiers: ClinVar variation 4533961 (VCV004533961.6).
Genomic context (GRCh38, chr6:156,778,577, plus strand): 5'-GGGCGGCCGCTACGAGCACCCGGGCTTGGGCGCCCTGGGCACGCAGCAGCCGCCGGTCGC[C>G]GTGCCCGGGGGCGGCGGCGGCCCGGCGGCCGTCCCGGAGTTTAATAATTACTATGGCAGC-3'
Protein context (NP_001361757.1, residues 289-309): GALGTQQPPV[Ala299=]VPGGGGGPAA